The following is an entry in ClinVar:

ClinVar aggregate classification (germline): Uncertain significance. Review status: criteria provided, multiple submitters, no conflicts (2 of 4 stars). 2 submissions from 2 submitters: Uncertain significance (2). Last evaluated 2025-11-20.

Conditions:
Inborn genetic diseases. Identifiers: MedGen C0950123, MeSH D030342.
Autosomal recessive limb-girdle muscular dystrophy type 2P. Also called: MUSCULAR DYSTROPHY-DYSTROGLYCANOPATHY, LIMB-GIRDLE, DAG1-RELATED; Limb-Girdle Muscular Dystrophy Type 9C; MUSCULAR DYSTROPHY, LIMB-GIRDLE, TYPE 2P. Identifiers: Orphanet 280333, MedGen C4511963, MONDO:0013440, OMIM 613818.
Muscular dystrophy-dystroglycanopathy (congenital with brain and eye anomalies), type A9. Also called: WALKER-WARBURG SYNDROME OR MUSCLE-EYE BRAIN DISEASE, DAG1-RELATED; Muscular dystrophy-dystroglycanopathy (congenital with brain and eye anomalies), type a, 9. Identifiers: Orphanet 370997, Orphanet 899, MedGen C4225291, MONDO:0014683, OMIM 616538.

Allele frequency attached by ClinVar (database versions not stated): gnomAD exomes below 0.00001 and 0.00001; gnomAD 0.00001; TOPMed 0.00001; ExAC 0.00002.
gnomAD v4.1: 4 of 1,614,016 alleles (0.00025%); highest among the groups gnomAD compares: Admixed American, 0.0017%; no homozygotes.

Submissions (2):

Ambry Genetics
Classification: Uncertain significance for Inborn genetic diseases. Last evaluated: 2025-11-20. Review status: criteria provided, single submitter. Criteria: Ambry Variant Classification Scheme 2023. Collection method: clinical testing. Allele origin: germline.

Labcorp Genetics (formerly Invitae), Labcorp
Classification: Uncertain significance for Autosomal recessive limb-girdle muscular dystrophy type 2P; Muscular dystrophy-dystroglycanopathy (congenital with brain and eye anomalies), type A9. Last evaluated: 2024-10-15. Review status: criteria provided, single submitter. Criteria: Invitae Variant Classification Sherloc (09022015). Collection method: clinical testing. Allele origin: germline.
Comment: This sequence change replaces proline, which is neutral and non-polar, with arginine, which is basic and polar, at codon 398 of the DAG1 protein (p.Pro398Arg). This variant is present in population databases (rs751173028, gnomAD 0.002%). This variant has not been reported in the literature in individuals affected with DAG1-related conditions. ClinVar contains an entry for this variant (Variation ID: 1480131). Invitae Evidence Modeling of protein sequence and biophysical properties (such as structural, functional, and spatial information, amino acid conservation, physicochemical variation, residue mobility, and thermodynamic stability) indicates that this missense variant is not expected to disrupt DAG1 protein function with a negative predictive value of 80%. In summary, the available evidence is currently insufficient to determine the role of this variant in disease. Therefore, it has been classified as a Variant of Uncertain Significance.

NM_004393.6(DAG1):c.1193C>G (p.Pro398Arg)

Gene: DAG1 (dystroglycan 1; plus strand). Cytogenetic location: 3p21.31.
Variant type: single nucleotide variant.
Coding change: c.1193C>G on transcript NM_004393.6 (MANE Select); coding-DNA position 1193, C replaced by G.
Protein change: p.Pro398Arg; replaces proline 398 with arginine.
Molecular consequence: missense variant.
Genome position (GRCh38, 1-based): chr3:49,531,704, C>G. VCF-style: chr3-49531704-C-G. GRCh37 (hg19) VCF-style: chr3-49569137-C-G.
Other names: c.1193C>G, p.Pro398Arg (NM_001165928.4, NM_001177634.3, NM_001177635.3 and 9 more transcripts); c.1193C>G (NM_004393.4); short protein forms P398R.
Identifiers: ClinVar variation 1480131 (VCV001480131.9), dbSNP rs751173028, ClinGen allele CA2399029.